The following is an entry in ClinVar:

NM_015662.3(IFT172):c.802T>G (p.Trp268Gly)

Gene: IFT172 (intraflagellar transport 172; minus strand). Cytogenetic location: 2p23.3.
Variant type: single nucleotide variant.
Coding change: c.802T>G on transcript NM_015662.3 (MANE Select); coding-DNA position 802, T replaced by G.
Protein change: p.Trp268Gly; replaces tryptophan 268 with glycine.
Molecular consequence: missense variant.
Genome position (GRCh38, 1-based): chr2:27,480,133, A>C on the plus strand (T>G on the coding strand, the complement: IFT172 is on the minus strand). VCF-style: chr2-27480133-A-C. GRCh37 (hg19) VCF-style: chr2-27703000-A-C.
Other names: c.802T>G, p.Trp268Gly (NM_001410739.1); short protein forms W268G.
Identifiers: ClinVar variation 3028939 (VCV003028939.2), dbSNP rs931651427, ClinGen allele CA44515376.

ClinVar aggregate classification (germline): Uncertain significance (0 of 4 stars; one submission).

Conditions:
IFT172-related disorder. Also called: IFT172-related condition; IFT172-related disorders.

Allele frequency attached by ClinVar (database versions not stated): gnomAD 0.00001; TOPMed 0.00002.
gnomAD v4.1: 2 of 1,613,896 alleles (0.00012%); highest among the groups gnomAD compares: African/African-American, 0.0027%; no homozygotes.

Submission:

PreventionGenetics, part of Exact Sciences
Classification: Uncertain significance for IFT172-related condition. Last evaluated: 2024-02-07. Review status: no assertion criteria provided. Collection method: clinical testing. Allele origin: germline.
Comment: The IFT172 c.802T>G variant is predicted to result in the amino acid substitution p.Trp268Gly. To our knowledge, this variant has not been reported in the literature or in a large population database, indicating this variant is rare. At this time, the clinical significance of this variant is uncertain due to the absence of conclusive functional and genetic evidence.